The following is an entry in ClinVar:

ClinVar aggregate classification (germline): Uncertain significance (1 of 4 stars; one submission).

Conditions:
Gaucher disease perinatal lethal. Also called: Gaucher disease collodion type; Gaucher Disease, Perinatal-Lethal Form. Identifiers: Orphanet 85212, MedGen C1842704, MONDO:0011945, OMIM 608013.

Submission:

Centre for Mendelian Genomics, University Medical Centre Ljubljana
Classification: Uncertain significance for Gaucher disease perinatal lethal. Last evaluated: 2018-10-17. Review status: criteria provided, single submitter. Criteria: ACMG Guidelines, 2015. Collection method: clinical testing. Allele origin: unknown. Affected: yes.
Comment: This variant was classified as: Uncertain significance. The available evidence on this variant's pathogenicity is insufficient or conflicting. The following ACMG criteria were applied in classifying this variant: PM2.

NM_000157.4(GBA1):c.1389-33del

Genes: GBA1 (glucosylceramidase beta 1; minus strand), LOC106627981 (GBA recombination region; plus strand). Cytogenetic location: 1q22.
Variant type: Deletion.
Coding change: c.1389-33del on transcript NM_000157.4 (MANE Select); 33 bases into the intron before coding-DNA position 1389, one base deleted (C; older notation c.1389-33delC).
Molecular consequence: intron variant.
Genome position (GRCh38, 1-based): chr1:155,235,344, G deleted on the plus strand (C on the coding strand, the reverse complement: GBA1 is on the minus strand); the first of 4 consecutive G bases (chr1:155,235,344-155,235,347); deleting any one gives the same sequence. VCF-style (leftmost placement, unchanged base first): chr1-155235343-CG-C. GRCh37 (hg19) VCF-style: chr1-155205134-CG-C.
Other names: c.1128-33del (NM_001171811.2); c.1389-33del (NM_001005742.3, NM_001005741.3); c.1242-33del (NM_001171812.2).
Identifiers: ClinVar variation 930901 (VCV000930901.3), dbSNP rs1671680082, ClinGen allele CA1139655519.